The following is an entry in ClinVar:

ClinVar aggregate classification (germline): Uncertain significance. Review status: criteria provided, multiple submitters, no conflicts (2 of 4 stars). 2 submissions from 2 submitters: Uncertain significance (2). Last evaluated 2025-12-22.

Conditions:
Achondrogenesis type II (ACG2). Also called: CHONDROGENESIS IMPERFECTA; ACHONDROGENESIS, LANGER-SALDINO TYPE. Identifiers: Orphanet 932, Orphanet 93296, MedGen C0220685, MONDO:0008702, OMIM 200610.
Inborn genetic diseases. Identifiers: MedGen C0950123, MeSH D030342.

Allele frequency attached by ClinVar (database versions not stated): gnomAD exomes below 0.00001; TOPMed below 0.00001.
gnomAD v4.1: 5 of 1,611,140 alleles (0.00031%); highest among the groups gnomAD compares: Non-Finnish European, 0.00042%; no homozygotes.

Submissions (2):

Ambry Genetics
Classification: Uncertain significance for Inborn genetic diseases. Last evaluated: 2025-12-22. Review status: criteria provided, single submitter. Criteria: Ambry Variant Classification Scheme 2023. Collection method: clinical testing. Allele origin: germline.
Comment: The c.3690G>C (p.E1230D) alteration is located in exon 51 (coding exon 51) of the COL2A1 gene. This alteration results from a G to C substitution at nucleotide position 3690, causing the glutamic acid (E) at amino acid position 1230 to be replaced by an aspartic acid (D). Based on data from gnomAD, the C allele has an overall frequency of <0.001% (1/248804) total alleles studied. The highest observed frequency was 0.001% (1/113416) of European (non-Finnish) alleles. Based on insufficient or conflicting evidence, the clinical significance of this alteration remains unclear.

Centre for Mendelian Genomics, University Medical Centre Ljubljana
Classification: Uncertain significance for Achondrogenesis type II. Last evaluated: 2020-02-13. Review status: criteria provided, single submitter. Criteria: ACMG Guidelines, 2015. Collection method: clinical testing. Allele origin: unknown. Affected: yes.
Comment: This variant was classified as: Uncertain significance. The available evidence on this variant's pathogenicity is insufficient or conflicting. The following ACMG criteria were applied in classifying this variant: PP2,BP4.

NM_001844.5(COL2A1):c.3690G>C (p.Glu1230Asp)

Gene: COL2A1 (collagen type II alpha 1 chain; minus strand). Cytogenetic location: 12q13.11.
Variant type: single nucleotide variant.
Coding change: c.3690G>C on transcript NM_001844.5 (MANE Select); coding-DNA position 3690, G replaced by C.
Protein change: p.Glu1230Asp; replaces glutamic acid 1230 with aspartic acid.
Molecular consequence: missense variant.
Genome position (GRCh38, 1-based): chr12:47,975,513, C>G on the plus strand (G>C on the coding strand, the complement: COL2A1 is on the minus strand). VCF-style: chr12-47975513-C-G. GRCh37 (hg19) VCF-style: chr12-48369296-C-G.
Other names: c.3483G>C, p.Glu1161Asp (NM_033150.3); short protein forms E1161D, E1230D.
Identifiers: ClinVar variation 930229 (VCV000930229.4), dbSNP rs1347381176, ClinGen allele CA384536901.
Genomic context (GRCh38, chr12:47,975,513, plus strand): 5'-CTGTCTCAGGCCACCGGCTGCCTGGTCGGCCCGCATGTACTGCAGGGGGTCGGGGCCCTT[C>G]TCTCTCGGGCCTAAGCCAGCAAAGGCGGACATGTCGATGCCAGGGCCAGGGGGACCTGGA-3'
Protein context (NP_001835.3, residues 1220-1240): MSAFAGLGPR[Glu1230Asp]KGPDPLQYMR